The following is an entry in ClinVar:

ClinVar aggregate classification (germline): Benign. Review status: criteria provided, multiple submitters, no conflicts (2 of 4 stars). 6 submissions from 6 submitters: Benign (4). 2 of the submissions do not count toward it. Last evaluated 2026-02-04.

Submissions (6):

Labcorp Genetics (formerly Invitae), Labcorp
Classification: Benign. Last evaluated: 2026-02-04. Review status: criteria provided, single submitter. Criteria: Invitae Variant Classification Sherloc (09022015). Collection method: clinical testing. Allele origin: germline.

Blueprint Genetics
Classification: Benign. Last evaluated: 2024-11-28. Review status: criteria provided, single submitter. Criteria: ACMG Guidelines, 2015. Collection method: clinical testing. Allele origin: germline.

Mayo Clinic Laboratories, Mayo Clinic
Classification: Benign. Last evaluated: 2022-04-26. Review status: criteria provided, single submitter. Criteria: ACMG Guidelines, 2015. Collection method: clinical testing. Allele origin: germline. Observed: 272 variant alleles.

GeneDx
Classification: Benign. Last evaluated: 2018-04-19. Review status: criteria provided, single submitter. Criteria: GeneDx Variant Classification (06012015). Collection method: clinical testing. Allele origin: germline. Affected: yes.
Comment: This variant is considered likely benign or benign based on one or more of the following criteria: it is a conservative change, it occurs at a poorly conserved position in the protein, it is predicted to be benign by multiple in silico algorithms, and/or has population frequency not consistent with disease.

Genome Diagnostics Laboratory, Amsterdam University Medical Center
Classification: Benign. Review status: no assertion criteria provided. Collection method: clinical testing. Allele origin: germline. Affected: yes. Study: VKGL Data-share Consensus. Not counted in ClinVar's aggregate classification.

Laboratory of Diagnostic Genome Analysis, Leiden University Medical Center (LUMC)
Classification: Likely benign. Review status: no assertion criteria provided. Collection method: clinical testing. Allele origin: germline. Affected: yes. Study: VKGL Data-share Consensus. Not counted in ClinVar's aggregate classification.

NM_030957.3(ADAMTS10):c.3043-12_3043-6dup

Gene: ADAMTS10 (ADAM metallopeptidase with thrombospondin type 1 motif 10; minus strand). Cytogenetic location: 19p13.2.
Variant type: Duplication.
Coding change: c.3043-12_3043-6dup on transcript NM_030957.3; 12 bases into the intron before coding-DNA position 3043 through 6 bases into the intron before coding-DNA position 3043, 7 bases duplicated (GCCCCCT; older notation c.3043-12_3043-6dupGCCCCCT).
Molecular consequence: intron variant (on NM_030957.4).
Genome position (GRCh38, 1-based): chr19:8,585,060-8,585,066, AGGGGGC duplicated on the plus strand (GCCCCCT on the coding strand, the reverse complement: ADAMTS10 is on the minus strand); duplicating any 7 consecutive bases within chr19:8,585,060-8,585,067 gives the same sequence; the c. name uses the placement nearest the transcript's 3' end. VCF-style (leftmost placement, unchanged base first): chr19-8585059-G-GAGGGGGC. GRCh37 (hg19) VCF-style: chr19-8649943-G-GAGGGGGC.
Other names: p.?; c.3043-12_3043-6dupGCCCCCT (NM_030957.2); c.3043-12_3043-6dup (NM_030957.4); c.1504-12_1504-6dup (NM_001282352.2).
Identifiers: ClinVar variation 330580 (VCV000330580.17), dbSNP rs138501563, ClinGen allele CA9159976.